The following is an entry in ClinVar:

ClinVar aggregate classification (germline): Likely pathogenic. Review status: criteria provided, multiple submitters, no conflicts (2 of 4 stars). 5 submissions from 5 submitters: Likely pathogenic (5). Last evaluated 2026-01-21.

Conditions:
Endometrial carcinoma. Also called: Endometrial carcinoma, somatic. Identifiers: MedGen C0476089, MONDO:0002447, OMIM 608089, HP:0012114.
Familial adenomatous polyposis 4 (FAP4). Also called: MSH3-related attenuated familial adenomatous polyposis. Identifiers: Orphanet 480536, MedGen C4310719, MONDO:0044300, OMIM 617100.
Hereditary cancer-predisposing syndrome. Also called: Neoplastic Syndromes, Hereditary; Tumor predisposition; Hereditary neoplastic syndrome; Hereditary Cancer Syndrome. Identifiers: Orphanet 140162, MedGen C0027672, MeSH D009386, MONDO:0015356.

Allele frequency attached by ClinVar (database versions not stated): gnomAD exomes below 0.00001.
gnomAD v4.1: 8 of 1,601,046 alleles (0.0005%); highest among the groups gnomAD compares: Middle Eastern, 0.033%; no homozygotes.

Submissions (5):

Labcorp Genetics (formerly Invitae), Labcorp
Classification: Likely pathogenic. Last evaluated: 2026-01-21. Review status: criteria provided, single submitter. Criteria: Invitae Variant Classification Sherloc (09022015). Collection method: clinical testing. Allele origin: germline.
Comment: This sequence change affects an acceptor splice site in intron 13 of the MSH3 gene. It is expected to disrupt RNA splicing. Variants that disrupt the donor or acceptor splice site typically lead to a loss of protein function (PMID: 16199547), and loss-of-function variants in MSH3 are known to be pathogenic (PMID: 27476653, 37402566). This variant is not present in population databases (gnomAD no frequency). Disruption of this splice site has been observed in individual(s) with clinical features of MSH3-related conditions (PMID: 40223084). ClinVar contains an entry for this variant (Variation ID: 838852). Studies have shown that disruption of this splice site is associated with altered splicing resulting in multiple RNA products (internal data). In summary, the currently available evidence indicates that the variant is pathogenic, but additional data are needed to prove that conclusively. Therefore, this variant has been classified as Likely Pathogenic.

Ambry Genetics
Classification: Likely pathogenic for Hereditary cancer-predisposing syndrome. Last evaluated: 2025-06-24. Review status: criteria provided, single submitter. Criteria: Ambry Variant Classification Scheme 2023. Collection method: clinical testing. Allele origin: germline.
Comment: The c.1897-1G>A intronic variant results from a G to A substitution one nucleotide upstream from coding exon 14 of the MSH3 gene. Alterations that disrupt the canonical splice site are expected to cause aberrant splicing, resulting in an abnormal protein or a transcript that is subject to nonsense-mediated mRNA decay. This variant is considered to be rare based on population cohorts in the Genome Aggregation Database (gnomAD). In silico splice site analysis predicts that this alteration will weaken the native splice acceptor site and may result in the creation or strengthening of a novel splice acceptor site; however, direct evidence is insufficient at this time (Ambry internal data). As such, this alteration is classified as likely pathogenic.

Baylor Genetics
Classification: Likely pathogenic for Endometrial carcinoma. Last evaluated: 2024-03-27. Review status: criteria provided, single submitter. Criteria: ACMG Guidelines, 2015. Collection method: clinical testing. Allele origin: unknown.

Myriad Genetics, Inc.
Classification: Likely pathogenic for Familial adenomatous polyposis 4. Last evaluated: 2023-08-30. Review status: criteria provided, single submitter. Criteria: Myriad Autosomal Dominant, Autosomal Recessive and X-Linked Classification Criteria (2023). Collection method: clinical testing. Allele origin: unknown.
Comment: This variant is considered likely pathogenic. This variant occurs within a consensus splice junction and is predicted to result in abnormal mRNA splicing of either an out-of-frame exon or an in-frame exon necessary for protein stability and/or normal function.

GeneDx
Classification: Likely pathogenic. Last evaluated: 2023-01-30. Review status: criteria provided, single submitter. Criteria: GeneDx Variant Classification Process June 2021. Collection method: clinical testing. Allele origin: germline. Affected: yes.
Comment: Has not been previously published as pathogenic or benign to our knowledge; Canonical splice site variant predicted to result in a null allele in a gene for which loss of function is a known mechanism of disease; Not observed at significant frequency in large population cohorts (gnomAD); This variant is associated with the following publications: (PMID: 16199547, 27476653)

Literature cited by the submitters: PubMed 16199547 (cited by Labcorp Genetics (formerly Invitae), Labcorp); PubMed 27476653 (cited by Labcorp Genetics (formerly Invitae), Labcorp); PubMed 37402566 (cited by Labcorp Genetics (formerly Invitae), Labcorp); PubMed 40223084 (cited by Labcorp Genetics (formerly Invitae), Labcorp).

NM_002439.5(MSH3):c.1897-1G>A

Gene: MSH3 (mutS homolog 3; plus strand). Cytogenetic location: 5q14.1.
Variant type: single nucleotide variant.
Coding change: c.1897-1G>A on transcript NM_002439.5 (MANE Select); the canonical splice acceptor site of the intron before coding-DNA position 1897, G replaced by A.
Molecular consequence: splice acceptor variant.
Genome position (GRCh38, 1-based): chr5:80,767,932, G>A. VCF-style: chr5-80767932-G-A. GRCh37 (hg19) VCF-style: chr5-80063751-G-A.
Identifiers: ClinVar variation 838852 (VCV000838852.18), dbSNP rs1744149615, ClinGen allele CA360277424.